The following is an entry in ClinVar:

ClinVar aggregate classification (germline): Likely benign. Review status: criteria provided, multiple submitters, no conflicts (2 of 4 stars). 4 submissions from 4 submitters: Likely benign (2). 2 of the submissions do not count toward it. Last evaluated 2023-04-05.

Conditions:
Dilated cardiomyopathy 1JJ (CMD1JJ). Identifiers: Orphanet 154, MedGen C3808935, MONDO:0014095, OMIM 615235.

Allele frequency attached by ClinVar (database versions not stated): TOPMed below 0.00001; gnomAD 0.00001; gnomAD exomes 0.00001 and 0.00002; ExAC 0.00003; 1000 Genomes Project 0.00020; 1000 Genomes Project 30x 0.00031.
gnomAD v4.1: 14 of 1,613,906 alleles (0.00087%); highest among the groups gnomAD compares: South Asian, 0.0022%; no homozygotes.

Submissions (4):

Labcorp Genetics (formerly Invitae), Labcorp
Classification: Likely benign for Dilated cardiomyopathy 1JJ. Last evaluated: 2023-04-05. Review status: criteria provided, single submitter. Criteria: Invitae Variant Classification Sherloc (09022015). Collection method: clinical testing. Allele origin: germline.

GeneDx
Classification: Likely benign. Last evaluated: 2017-01-24. Review status: criteria provided, single submitter. Criteria: GeneDx Variant Classification (06012015). Collection method: clinical testing. Allele origin: germline. Affected: yes.
Comment: This variant is considered likely benign or benign based on one or more of the following criteria: it is a conservative change, it occurs at a poorly conserved position in the protein, it is predicted to be benign by multiple in silico algorithms, and/or has population frequency not consistent with disease.

Clinical Genetics, Academic Medical Center
Classification: Benign. Review status: no assertion criteria provided. Collection method: clinical testing. Allele origin: germline. Affected: yes. Study: VKGL Data-share Consensus. Not counted in ClinVar's aggregate classification.

Joint Genome Diagnostic Labs from Nijmegen and Maastricht, Radboudumc and MUMC+
Classification: Likely benign. Review status: no assertion criteria provided. Collection method: clinical testing. Allele origin: germline. Affected: yes. Study: VKGL Data-share Consensus. Not counted in ClinVar's aggregate classification.

NM_001105206.3(LAMA4):c.2494-13T>C

Gene: LAMA4 (laminin subunit alpha 4; minus strand). Cytogenetic location: 6q21.
Variant type: single nucleotide variant.
Coding change: c.2494-13T>C on transcript NM_001105206.3 (MANE Select); 13 bases into the intron before coding-DNA position 2494, T replaced by C.
Molecular consequence: intron variant.
Genome position (GRCh38, 1-based): chr6:112,142,305, A>G on the plus strand (T>C on the coding strand, the complement: LAMA4 is on the minus strand). VCF-style: chr6-112142305-A-G. GRCh37 (hg19) VCF-style: chr6-112463507-A-G.
Other names: c.2473-13T>C (LRG_433t2, NM_002290.5, NM_001105207.3).
Identifiers: ClinVar variation 506920 (VCV000506920.13), dbSNP rs576422943, ClinGen allele CA3965453.
Genomic context (GRCh38, chr6:112,142,305, plus strand): 5'-GTGCACTTCCACAGCTGACTGGCCATCAAACATCATGGAGACTTGGATCTGGAGTGACAC[A>G]ACGGTTTCATTAAAAGTGCTTTGCAGAAATGGGCAGAGTGCTTTCCCGTGCTTCCCTCAT-3'